The following is an entry in ClinVar:

ClinVar aggregate classification (germline): Conflicting classifications of pathogenicity. Review status: criteria provided, conflicting classifications (1 of 4 stars). 2 submissions from 2 submitters: Uncertain significance (1); Likely benign (1). Last evaluated 2025-06-23.

Conditions:
KIF26A-related condition.

Allele frequency attached by ClinVar (database versions not stated): gnomAD exomes 0.00009; gnomAD 0.00010; TOPMed 0.00014; ExAC 0.00021.
gnomAD v4.1: 152 of 1,580,054 alleles (0.0096%); highest among the groups gnomAD compares: Middle Eastern, 0.15%; no homozygotes.

Submissions (2):

PreventionGenetics, part of Exact Sciences
Classification: Uncertain significance for KIF26A-related condition. Last evaluated: 2025-06-23. Review status: criteria provided, single submitter. Criteria: ACMG Guidelines, 2015. Collection method: clinical testing. Allele origin: germline.
Comment: The KIF26A c.1075G>A variant is predicted to result in the amino acid substitution p.Ala359Thr. To our knowledge, this variant has not been reported in the literature. This variant is reported in 0.021% of alleles in individuals of African descent in gnomAD. At this time, the clinical significance of this variant is uncertain due to the absence of conclusive functional and genetic evidence.

Ambry Genetics
Classification: Likely benign. Last evaluated: 2023-09-13. Review status: criteria provided, single submitter. Criteria: Ambry Variant Classification Scheme 2023. Collection method: clinical testing. Allele origin: germline.

NM_015656.2(KIF26A):c.1075G>A (p.Ala359Thr)

Gene: KIF26A (kinesin family member 26A; plus strand). Cytogenetic location: 14q32.33.
Variant type: single nucleotide variant.
Coding change: c.1075G>A on transcript NM_015656.2 (MANE Select); coding-DNA position 1075, G replaced by A.
Protein change: p.Ala359Thr; replaces alanine 359 with threonine.
Molecular consequence: missense variant.
Genome position (GRCh38, 1-based): chr14:104,167,010, G>A. VCF-style: chr14-104167010-G-A. GRCh37 (hg19) VCF-style: chr14-104633347-G-A.
Other names: short protein forms A359T.
Identifiers: ClinVar variation 2588146 (VCV002588146.3), dbSNP rs750373863, ClinGen allele CA7370270.